The following is an entry in ClinVar:

NM_145290.4(ADGRA3):c.607A>C (p.Lys203Gln)

Gene: ADGRA3 (adhesion G protein-coupled receptor A3; minus strand). Cytogenetic location: 4p15.2.
Variant type: single nucleotide variant.
Coding change: c.607A>C on transcript NM_145290.4 (MANE Select); coding-DNA position 607, A replaced by C.
Protein change: p.Lys203Gln; replaces lysine 203 with glutamine.
Molecular consequence: missense variant.
Genome position (GRCh38, 1-based): chr4:22,445,072, T>G on the plus strand (A>C on the coding strand, the complement: ADGRA3 is on the minus strand). VCF-style: chr4-22445072-T-G. GRCh37 (hg19) VCF-style: chr4-22446695-T-G.
Other names: short protein forms K203Q.
Identifiers: ClinVar variation 4776031 (VCV004776031.1).

ClinVar aggregate classification (germline): Uncertain significance (1 of 4 stars; one submission).

Submission:

Labcorp Genetics (formerly Invitae), Labcorp
Classification: Uncertain significance. Last evaluated: 2025-02-13. Review status: criteria provided, single submitter. Criteria: Invitae Variant Classification Sherloc (09022015). Collection method: clinical testing. Allele origin: germline.
Comment: This sequence change replaces lysine, which is basic and polar, with glutamine, which is neutral and polar, at codon 203 of the ADGRA3 protein (p.Lys203Gln). This variant is not present in population databases (gnomAD no frequency). This variant has not been reported in the literature in individuals affected with ADGRA3-related conditions. An algorithm developed to predict the effect of missense changes on protein structure and function (PolyPhen-2) suggests that this variant is likely to be tolerated. In summary, the available evidence is currently insufficient to determine the role of this variant in disease. Therefore, it has been classified as a Variant of Uncertain Significance.